The following is an entry in ClinVar:

NM_198428.3(BBS9):c.263+1G>T

Gene: BBS9 (Bardet-Biedl syndrome 9; plus strand). Cytogenetic location: 7p14.3.
Variant type: single nucleotide variant.
Coding change: c.263+1G>T on transcript NM_198428.3 (MANE Select); the canonical splice donor site of the intron after coding-DNA position 263, G replaced by T.
Molecular consequence: splice donor variant. On other transcripts: 5 prime UTR variant (2), intron variant (2).
Genome position (GRCh38, 1-based): chr7:33,152,852, G>T. VCF-style: chr7-33152852-G-T. GRCh37 (hg19) VCF-style: chr7-33192464-G-T.
Other names: c.-14G>T (NM_001348038.3, NM_001348039.3); c.263+1G>T (NM_001348036.1, NM_001362679.1, NM_001348041.4 and 5 more transcripts); c.-39+1G>T (NM_001348037.3, NM_001348045.3); c.128+1G>T (NM_001348042.3); c.-39+22811G>T (NM_001348046.3, NM_001348044.3).
Identifiers: ClinVar variation 1400532 (VCV001400532.7), dbSNP rs137962929, ClinGen allele CA367190691.
Genomic context (GRCh38, chr7:33,152,852, plus strand): 5'-GCTTCTAGAAGTGGATCTACGAGATCCAGTACTTCAAGTGGAAGTAGGAAAGTTTGTTTC[G>T]TAAGTAAGCCCACTAATTCTGGTATTTTACTTGGAGTATGTCAATCCTTTACAGTGTCAC-3'

ClinVar aggregate classification (germline): Pathogenic. Review status: criteria provided, multiple submitters, no conflicts (2 of 4 stars). 2 submissions from 2 submitters: Pathogenic (2). Last evaluated 2023-10-16.

Conditions:
Retinal dystrophy. Also called: Inherited retinal dystrophy. Identifiers: Orphanet 71862, MedGen C0854723, MeSH D058499, MONDO:0019118, HP:0000556.
Bardet-Biedl syndrome (BBS). Identifiers: Orphanet 110, MedGen C0752166, MONDO:0015229.

gnomAD v4.1: 1 of 1,613,742 alleles (0.000062%); highest among the groups gnomAD compares: Non-Finnish European, 0.000085%; no homozygotes.

Submissions (2):

Labcorp Genetics (formerly Invitae), Labcorp
Classification: Pathogenic for Bardet-Biedl syndrome. Last evaluated: 2023-10-16. Review status: criteria provided, single submitter. Criteria: Invitae Variant Classification Sherloc (09022015). Collection method: clinical testing. Allele origin: germline.
Comment: This sequence change affects a donor splice site in intron 3 of the BBS9 gene. RNA analysis indicates that disruption of this splice site induces altered splicing and may result in an absent or disrupted protein product. This variant is not present in population databases (gnomAD no frequency). Disruption of this splice site has been observed in individual(s) with Bardet-Biedl syndrome (PMID: 24849935). It has also been observed to segregate with disease in related individuals. ClinVar contains an entry for this variant (Variation ID: 1400532). Studies have shown that disruption of this splice site results in an insertion of 4 nucleotides and introduces a premature termination codon (PMID: 24849935). The resulting mRNA is expected to undergo nonsense-mediated decay. For these reasons, this variant has been classified as Pathogenic.

Institute of Human Genetics, Univ. Regensburg, Univ. Regensburg
Classification: Pathogenic for Retinal dystrophy. Last evaluated: 2022-01-01. Review status: criteria provided, single submitter. Criteria: ACMG Guidelines, 2015. Collection method: clinical testing. Allele origin: germline. Affected: yes.

Literature cited by the submitters: PubMed 24849935 (cited by Labcorp Genetics (formerly Invitae), Labcorp); PubMed 32531858 (cited by Institute of Human Genetics, Univ. Regensburg, Univ. Regensburg); PubMed 35886 (cited by Institute of Human Genetics, Univ. Regensburg, Univ. Regensburg).